The following is an entry in ClinVar:

NM_001366900.1(TTC21A):c.1392+1G>A

Gene: TTC21A (tetratricopeptide repeat domain 21A; plus strand). Cytogenetic location: 3p22.2.
Variant type: single nucleotide variant.
Coding change: c.1392+1G>A on transcript NM_001366900.1 (MANE Select); the canonical splice donor site of the intron after coding-DNA position 1392, G replaced by A.
Molecular consequence: splice donor variant.
Genome position (GRCh38, 1-based): chr3:39,125,533, G>A. VCF-style: chr3-39125533-G-A. GRCh37 (hg19) VCF-style: chr3-39167024-G-A.
Other names: NC_000003.11:g.39167024G>A; c.1416+1G>A (NM_001366899.1, NM_145755.3, NM_145755.2); c.1269+1G>A (NM_001105513.3).
Identifiers: ClinVar variation 4295982 (VCV004295982.2).
Genomic context (GRCh38, chr3:39,125,533, plus strand): 5'-CTGGACCCGTACTTCCTGGTCTGCATTGCTAAGGAGTACTTGCTCTTCTGCCCCAAGCAG[G>A]TTAGGGGAAGGCCTGTCTTCATGGTGGGGGTCTGGAGTACAGGTTTGGATGGTGCCCACC-3'

ClinVar aggregate classification (germline): Likely pathogenic (1 of 4 stars; one submission).

Conditions:
TTC21A-related disorder. Also called: TTC21A-related condition.

gnomAD v4.1: 792 of 1,606,890 alleles (0.049%); highest among the groups gnomAD compares: Non-Finnish European, 0.065%; 2 homozygotes.

Submissions (3):

PreventionGenetics, part of Exact Sciences
Classification: Likely pathogenic for TTC21A-related condition. Last evaluated: 2026-09-08. Review status: criteria provided, single submitter. Criteria: ACMG Guidelines, 2015. Collection method: clinical testing. Allele origin: germline.
Comment: The TTC21A c.1416+1G>A variant is predicted to disrupt the GT donor site and interfere with normal splicing. To our knowledge, this variant has not been reported in the literature in association with TTC21A-related disease. This variant is reported in 0.070% of alleles in individuals of European (Non-Finnish) descent in gnomAD. Variants that disrupt the consensus splice donor site in TTC21A are expected to be pathogenic. This variant is interpreted as likely pathogenic.

Dr. Peter K. Rogan Lab, Western University
No classification provided (evidence only). Condition: Acute myeloid leukemia. Review status: no classification provided. Collection method: in vitro. Allele origin: not applicable. Functional consequence: retained intron. Not counted in ClinVar's aggregate classification.

Dr. Peter K. Rogan Lab, Western University
No classification provided (evidence only). Condition: Lymphoma. Review status: no classification provided. Collection method: in vitro. Allele origin: not applicable. Functional consequence: retained intron. Not counted in ClinVar's aggregate classification.